The following is an entry in ClinVar:

ClinVar aggregate classification (germline): Uncertain significance (1 of 4 stars; one submission).

Conditions:
Bardet-Biedl syndrome (BBS). Identifiers: Orphanet 110, MedGen C0752166, MONDO:0015229.

Allele frequency attached by ClinVar (database versions not stated): gnomAD exomes below 0.00001.
gnomAD v4.1: 2 of 1,566,072 alleles (0.00013%); highest among the groups gnomAD compares: Middle Eastern, 0.02%; no homozygotes.

Submission:

Labcorp Genetics (formerly Invitae), Labcorp
Classification: Uncertain significance for Bardet-Biedl syndrome. Last evaluated: 2022-07-12. Review status: criteria provided, single submitter. Criteria: Invitae Variant Classification Sherloc (09022015). Collection method: clinical testing. Allele origin: germline.
Comment: In summary, the available evidence is currently insufficient to determine the role of this variant in disease. Therefore, it has been classified as a Variant of Uncertain Significance. Algorithms developed to predict the effect of missense changes on protein structure and function (SIFT, PolyPhen-2, Align-GVGD) all suggest that this variant is likely to be tolerated. This sequence change replaces glutamic acid, which is acidic and polar, with lysine, which is basic and polar, at codon 4 of the BBS4 protein (p.Glu4Lys). This variant is not present in population databases (gnomAD no frequency). This variant has not been reported in the literature in individuals affected with BBS4-related conditions. ClinVar contains an entry for this variant (Variation ID: 1377984).

NM_033028.5(BBS4):c.10G>A (p.Glu4Lys)

Gene: BBS4 (Bardet-Biedl syndrome 4; plus strand). Cytogenetic location: 15q24.1.
Variant type: single nucleotide variant.
Coding change: c.10G>A on transcript NM_033028.5 (MANE Select); coding-DNA position 10, G replaced by A.
Protein change: p.Glu4Lys; replaces glutamic acid 4 with lysine.
Molecular consequence: missense variant. On other transcripts: 5 prime UTR variant (1), non-coding transcript variant (2).
Genome position (GRCh38, 1-based): chr15:72,686,237, G>A. VCF-style: chr15-72686237-G-A. GRCh37 (hg19) VCF-style: chr15-72978578-G-A.
Other names: c.-460G>A (NM_001252678.2); c.10G>A, p.Glu4Lys (NM_001320665.2); short protein forms E4K.
Identifiers: ClinVar variation 1377984 (VCV001377984.8), dbSNP rs1336636537, ClinGen allele CA393075010.